The following is an entry in ClinVar:

NM_006084.5(IRF9):c.217G>A (p.Asp73Asn)

Gene: IRF9 (interferon regulatory factor 9; plus strand). Cytogenetic location: 14q12.
Variant type: single nucleotide variant.
Coding change: c.217G>A on transcript NM_006084.5 (MANE Select); coding-DNA position 217, G replaced by A.
Protein change: p.Asp73Asn; replaces aspartic acid 73 with asparagine.
Molecular consequence: missense variant.
Genome position (GRCh38, 1-based): chr14:24,163,002, G>A. VCF-style: chr14-24163002-G-A. GRCh37 (hg19) VCF-style: chr14-24632211-G-A.
Other names: c.217G>A, p.Asp73Asn (NM_001385400.1, NM_001385401.1, NM_001385402.1); short protein forms D73N.
Identifiers: ClinVar variation 3676648 (VCV003676648.2).

ClinVar aggregate classification (germline): Uncertain significance (1 of 4 stars; one submission).

Submission:

Labcorp Genetics (formerly Invitae), Labcorp
Classification: Uncertain significance. Last evaluated: 2024-06-20. Review status: criteria provided, single submitter. Criteria: Invitae Variant Classification Sherloc (09022015). Collection method: clinical testing. Allele origin: germline.
Comment: This sequence change replaces aspartic acid, which is acidic and polar, with asparagine, which is neutral and polar, at codon 73 of the IRF9 protein (p.Asp73Asn). This variant is not present in population databases (gnomAD no frequency). This variant has not been reported in the literature in individuals affected with IRF9-related conditions. Algorithms developed to predict the effect of missense changes on protein structure and function output the following: SIFT: "Not Available"; PolyPhen-2: "Benign"; Align-GVGD: "Not Available". The asparagine amino acid residue is found in multiple mammalian species, which suggests that this missense change does not adversely affect protein function. In summary, the available evidence is currently insufficient to determine the role of this variant in disease. Therefore, it has been classified as a Variant of Uncertain Significance.